The following is an entry in ClinVar:

ClinVar aggregate classification (germline): Conflicting classifications of pathogenicity. Review status: criteria provided, conflicting classifications (1 of 4 stars). 4 submissions from 4 submitters: Pathogenic (1); Likely pathogenic (1); Uncertain significance (1). 1 of the submissions does not count toward it. Last evaluated 2025-03-19.

Conditions:
Bardet-Biedl syndrome (BBS). Identifiers: Orphanet 110, MedGen C0752166, MONDO:0015229.
BBS10-related disorder. Also called: BBS10-related condition.
Bardet-Biedl syndrome 10 (BBS10). Identifiers: Orphanet 110, MedGen C1859568, MONDO:0014438, OMIM 615987.

Allele frequency attached by ClinVar (database versions not stated): gnomAD below 0.00001.

Submissions (4):

PreventionGenetics, part of Exact Sciences
Classification: Likely pathogenic for BBS10-related condition. Last evaluated: 2025-03-19. Review status: criteria provided, single submitter. Criteria: ACMG Guidelines, 2015. Collection method: clinical testing. Allele origin: germline.
Comment: The BBS10 c.745_746insTA variant is predicted to result in a frameshift and premature protein termination (p.Arg249Leufs*11). To our knowledge, this variant has not been reported in the literature or in a large population database (gnomAD), indicating this variant is rare. This variant is located in the last exon of the BBS10 gene; however, other early termination variants nearby and downstream have also been documented as causative (Stoetzel et al. 2006. PubMed ID: 16582908; Kurata et al. 2018. PubMed ID: 29666954). This variant is interpreted as likely pathogenic.

Labcorp Genetics (formerly Invitae), Labcorp
Classification: Pathogenic for Bardet-Biedl syndrome. Last evaluated: 2024-03-14. Review status: criteria provided, single submitter. Criteria: Invitae Variant Classification Sherloc (09022015). Collection method: clinical testing. Allele origin: germline.
Comment: This sequence change creates a premature translational stop signal (p.Arg249Leufs*11) in the BBS10 gene. While this is not anticipated to result in nonsense mediated decay, it is expected to disrupt the last 475 amino acid(s) of the BBS10 protein. This variant is not present in population databases (gnomAD no frequency). This variant has not been reported in the literature in individuals affected with BBS10-related conditions. ClinVar contains an entry for this variant (Variation ID: 553599). This variant disrupts a region of the BBS10 protein in which other variant(s) (p.Val707*) have been determined to be pathogenic (PMID: 20472660, 22773737, 25982971, 27486776). This suggests that this is a clinically significant region of the protein, and that variants that disrupt it are likely to be disease-causing. For these reasons, this variant has been classified as Pathogenic.

Neuberg Centre For Genomic Medicine, NCGM
Classification: Uncertain significance for Bardet-Biedl syndrome 10. Review status: criteria provided, single submitter. Criteria: ACMG Guidelines, 2015. Collection method: clinical testing. Allele origin: germline. Inheritance: Autosomal recessive inheritance. Affected: yes.
Comment: The frame shift c.745_746insTA (p.Arg249LeufsTer11) variant in BBS10 has not been reported previously as a pathogenic variant nor as a benign variant, to our knowledge. This variant has been reported to the ClinVar database as Likely pathogenic . The p.Arg249LeufsTer11 variant is novel (not in any individuals) in gnomAD Exomes and is novel (not in any individuals) in 1000 Genomes. Loss of function variants have been previously reported to be disease causing. However since this variant is present in the last exon functional studies will be required to prove protein truncation. Hence the variant is classified as Uncertain Significance (VUS).

Counsyl
Classification: Likely pathogenic for Bardet-Biedl syndrome 10. Last evaluated: 2017-08-30. Review status: no assertion criteria provided. Collection method: clinical testing. Allele origin: unknown. Not counted in ClinVar's aggregate classification.

Literature cited by the submitters: PubMed 20472660 (cited by Labcorp Genetics (formerly Invitae), Labcorp); PubMed 22773737 (cited by Labcorp Genetics (formerly Invitae), Labcorp); PubMed 25982971 (cited by Labcorp Genetics (formerly Invitae), Labcorp); PubMed 27486776 (cited by Labcorp Genetics (formerly Invitae), Labcorp).

NM_024685.4(BBS10):c.745_746insTA (p.Arg249fs)

Gene: BBS10 (Bardet-Biedl syndrome 10; minus strand). Cytogenetic location: 12q21.2.
Variant type: Insertion.
Coding change: c.745_746insTA on transcript NM_024685.4 (MANE Select); coding-DNA positions 745 to 746, TA inserted.
Protein change: p.Arg249fs; shifts the reading frame from arginine 249.
Molecular consequence: frameshift variant.
Genome position: GRCh38 VCF-style: chr12-76347239-C-CTA. GRCh37 (hg19) VCF-style: chr12-76741019-C-CTA.
Other names: c.745_746insTA, p.Arg249fs (LRG_1255t1); short protein forms R249fs.
Identifiers: ClinVar variation 553599 (VCV000553599.5), dbSNP rs1555202687, ClinGen allele CA658823433.